The following is an entry in ClinVar:

NM_014000.3(VCL):c.1885A>G (p.Arg629Gly)

Gene: VCL (vinculin; plus strand). Cytogenetic location: 10q22.2.
Variant type: single nucleotide variant.
Coding change: c.1885A>G on transcript NM_014000.3 (MANE Select); coding-DNA position 1885, A replaced by G.
Protein change: p.Arg629Gly; replaces arginine 629 with glycine.
Molecular consequence: missense variant.
Genome position (GRCh38, 1-based): chr10:74,100,960, A>G. VCF-style: chr10-74100960-A-G. GRCh37 (hg19) VCF-style: chr10-75860718-A-G.
Other names: c.1885A>G, p.Arg629Gly (NM_003373.4); short protein forms R629G.
Identifiers: ClinVar variation 4724891 (VCV004724891.1).

ClinVar aggregate classification (germline): Uncertain significance (1 of 4 stars; one submission).

Conditions:
Dilated cardiomyopathy 1W (CMD1W). Identifiers: Orphanet 154, MedGen C1969639, MONDO:0012667, OMIM 611407.

gnomAD v4.1: 7 of 1,614,048 alleles (0.00043%); highest among the groups gnomAD compares: Non-Finnish European, 0.00059%; no homozygotes.

Submission:

Labcorp Genetics (formerly Invitae), Labcorp
Classification: Uncertain significance for Dilated cardiomyopathy 1W. Last evaluated: 2025-08-13. Review status: criteria provided, single submitter. Criteria: Invitae Variant Classification Sherloc (09022015). Collection method: clinical testing. Allele origin: germline.
Comment: This sequence change replaces arginine, which is basic and polar, with glycine, which is neutral and non-polar, at codon 629 of the VCL protein (p.Arg629Gly). This variant is not present in population databases (gnomAD no frequency). This variant has not been reported in the literature in individuals affected with VCL-related conditions. An algorithm developed to predict the effect of missense changes on protein structure and function (PolyPhen-2) suggests that this variant is likely to be disruptive. In summary, the available evidence is currently insufficient to determine the role of this variant in disease. Therefore, it has been classified as a Variant of Uncertain Significance.